The following is an entry in ClinVar:

NM_000133.4(F9):c.499C>T (p.Gln167Ter)

Gene: F9 (coagulation factor IX; plus strand). Cytogenetic location: Xq27.1.
Variant type: single nucleotide variant.
Coding change: c.499C>T on transcript NM_000133.4 (MANE Select); coding-DNA position 499, C replaced by T.
Protein change: p.Gln167Ter; replaces glutamine 167 with a stop codon.
Molecular consequence: nonsense.
Genome position (GRCh38, 1-based): chrX:139,548,470, C>T. VCF-style: chrX-139548470-C-T. GRCh37 (hg19) VCF-style: chrX-138630629-C-T.
Other names: c.385C>T, p.Gln129Ter (NM_001313913.2); short protein forms Q129*, Q167*.
Identifiers: ClinVar variation 1459949 (VCV001459949.8), dbSNP rs2148361240, ClinGen allele CA414439368.

ClinVar aggregate classification (germline): Pathogenic (1 of 4 stars; one submission).

Conditions:
Thrombophilia, X-linked, due to factor 9 defect. Identifiers: MedGen C2749016, MONDO:0010432, OMIM 300807.
Hereditary factor IX deficiency disease (HEMB). Also called: F9 DEFICIENCY; FACTOR IX DEFICIENCY; PLASMA THROMBOPLASTIN COMPONENT DEFICIENCY; Hemophilia B; Christmas Disease. Identifiers: Orphanet 98879, MedGen C0008533, MeSH D002836, MONDO:0010604, OMIM 306900.

Submission:

Labcorp Genetics (formerly Invitae), Labcorp
Classification: Pathogenic for Thrombophilia, X-linked, due to factor 9 defect; Hereditary factor IX deficiency disease. Last evaluated: 2021-01-14. Review status: criteria provided, single submitter. Criteria: Invitae Variant Classification Sherloc (09022015). Collection method: clinical testing. Allele origin: germline.
Comment: For these reasons, this variant has been classified as Pathogenic. Experimental studies have shown that this variant disrupts mRNA splicing and is expected to lead to the loss of protein expression (PMID: 27227676). This variant has been observed in individual(s) with hemophilia B (PMID: 27227676). This variant is also known as c.17776C>T, Q121Stop in the literature. This variant is not present in population databases (ExAC no frequency). This sequence change creates a premature translational stop signal (p.Gln167*) in the F9 gene. It is expected to result in an absent or disrupted protein product. Loss-of-function variants in F9 are known to be pathogenic (PMID: 20301668).

Literature cited by the submitters: PubMed 27227676; PubMed 20301668.